The following is an entry in ClinVar:

ClinVar aggregate classification (germline): Uncertain significance (1 of 4 stars; one submission).

Conditions:
T-cell immunodeficiency, congenital alopecia, and nail dystrophy. Also called: Congenital alopecia and nail dystrophy associated with severe functional T-cell immunodeficiency; Pignata Guarino syndrome. Identifiers: Orphanet 169095, MedGen C1866426, MONDO:0011132, OMIM 601705.

Submission:

Labcorp Genetics (formerly Invitae), Labcorp
Classification: Uncertain significance for T-cell immunodeficiency, congenital alopecia, and nail dystrophy. Last evaluated: 2024-02-24. Review status: criteria provided, single submitter. Criteria: Invitae Variant Classification Sherloc (09022015). Collection method: clinical testing. Allele origin: germline.
Comment: This sequence change replaces threonine, which is neutral and polar, with isoleucine, which is neutral and non-polar, at codon 527 of the FOXN1 protein (p.Thr527Ile). This variant is not present in population databases (gnomAD no frequency). This variant has not been reported in the literature in individuals affected with FOXN1-related conditions. ClinVar contains an entry for this variant (Variation ID: 1481185). Advanced modeling of protein sequence and biophysical properties (such as structural, functional, and spatial information, amino acid conservation, physicochemical variation, residue mobility, and thermodynamic stability) performed at Invitae indicates that this missense variant is not expected to disrupt FOXN1 protein function with a negative predictive value of 80%. In summary, the available evidence is currently insufficient to determine the role of this variant in disease. Therefore, it has been classified as a Variant of Uncertain Significance.

NM_001369369.1(FOXN1):c.1580C>T (p.Thr527Ile)

Gene: FOXN1 (forkhead box N1; plus strand). Cytogenetic location: 17q11.2.
Variant type: single nucleotide variant.
Coding change: c.1580C>T on transcript NM_001369369.1 (MANE Select); coding-DNA position 1580, C replaced by T.
Protein change: p.Thr527Ile; replaces threonine 527 with isoleucine.
Molecular consequence: missense variant.
Genome position (GRCh38, 1-based): chr17:28,535,151, C>T. VCF-style: chr17-28535151-C-T. GRCh37 (hg19) VCF-style: chr17-26862169-C-T.
Other names: c.1580C>T, p.Thr527Ile (NM_003593.3); short protein forms T527I.
Identifiers: ClinVar variation 1481185 (VCV001481185.8), dbSNP rs2151499622, ClinGen allele CA398326758.
Genomic context (GRCh38, chr17:28,535,151, plus strand): 5'-CCGAGCCTTCCCCAGCCAGGACTATGCACGACACCCTGCTGCCAGATGGAGACCTTGGCA[C>T]TGACCTGGATGCCATCAATCCCTCACTCACTGACTTCGACTTCCAGGGTGAGCTGGGGGT-3'
Protein context (NP_001356298.1, residues 517-537): DTLLPDGDLG[Thr527Ile]DLDAINPSLT